The following is an entry in ClinVar:

ClinVar aggregate classification (germline): Likely benign. Review status: criteria provided, multiple submitters, no conflicts (2 of 4 stars). 2 submissions from 2 submitters: Likely benign (2). Last evaluated 2026-02-02.

Conditions:
PLAA-related disorder. Also called: PLAA-related condition.

Allele frequency attached by ClinVar (database versions not stated): ESP Exome Variant Server 0.00008; gnomAD exomes 0.00013 and 0.00014; ExAC 0.00040.
gnomAD v4.1: 215 of 1,587,224 alleles (0.014%); highest among the groups gnomAD compares: Non-Finnish European, 0.015%; no homozygotes.

Submissions (2):

Labcorp Genetics (formerly Invitae), Labcorp
Classification: Likely benign. Last evaluated: 2026-02-02. Review status: criteria provided, single submitter. Criteria: Invitae Variant Classification Sherloc (09022015). Collection method: clinical testing. Allele origin: germline.

PreventionGenetics, part of Exact Sciences
Classification: Likely benign for PLAA-related condition. Last evaluated: 2025-10-14. Review status: criteria provided, single submitter. Criteria: ACMG Guidelines, 2015. Collection method: clinical testing. Allele origin: germline.
Comment: This variant is classified as likely benign based on ACMG/AMP sequence variant interpretation guidelines (Richards et al. 2015 PMID: 25741868, with internal and published modifications).

NM_001031689.3(PLAA):c.99C>G (p.Ala33=)

Gene: PLAA (phospholipase A2 activating protein; minus strand). Cytogenetic location: 9p21.2.
Variant type: single nucleotide variant.
Coding change: c.99C>G on transcript NM_001031689.3 (MANE Select); coding-DNA position 99, C replaced by G.
Protein change: p.Ala33=; no amino-acid change (alanine 33 retained).
Molecular consequence: synonymous variant.
Genome position (GRCh38, 1-based): chr9:26,946,947, G>C on the plus strand (C>G on the coding strand, the complement: PLAA is on the minus strand). VCF-style: chr9-26946947-G-C. GRCh37 (hg19) VCF-style: chr9-26946945-G-C.
Other names: c.99C>G, p.Ala33= (NM_001321546.2); c.99C>G (NM_001031689.2).
Identifiers: ClinVar variation 1564811 (VCV001564811.9), dbSNP rs368369595, ClinGen allele CA5014735.
Genomic context (GRCh38, chr9:26,946,947, plus strand): 5'-CAGCGCTCACCTGTCTGGGGCCCAGAGGCGGGTGGTGCGGTCTCGGGACACGGACACAAA[G>C]GCTCCCGGCGGATAGGCGCAGCACACCAGGCCCCGTACGTCCAGCTCGTGGCCCCGGAGC-3'
Protein context (NP_001026859.1, residues 23-43): GLVCCAYPPG[Ala33=]FVSVSRDRTT